The following is an entry in ClinVar:

NM_000521.4(HEXB):c.1242G>A (p.Lys414=)

Gene: HEXB (hexosaminidase subunit beta; plus strand). Cytogenetic location: 5q13.3.
Variant type: single nucleotide variant.
Coding change: c.1242G>A on transcript NM_000521.4 (MANE Select); coding-DNA position 1242, G replaced by A.
Protein change: p.Lys414=; no amino-acid change (lysine 414 retained).
Molecular consequence: synonymous variant.
Genome position (GRCh38, 1-based): chr5:74,718,363, G>A. VCF-style: chr5-74718363-G-A. GRCh37 (hg19) VCF-style: chr5-74014188-G-A.
Other names: c.567G>A, p.Lys189= (NM_001292004.2).
Identifiers: ClinVar variation 558077 (VCV000558077.9), dbSNP rs1309123671, ClinGen allele CA444848817.

ClinVar aggregate classification (germline): Pathogenic/Likely pathogenic. Review status: criteria provided, multiple submitters, no conflicts (2 of 4 stars). 5 submissions from 5 submitters: Pathogenic (2); Likely pathogenic (2). 1 of the submissions does not count toward it. Last evaluated 2025-06-03.

Conditions:
Sandhoff disease. Also called: Beta-hexosaminidase-beta-subunit deficiency; GM2 gangliosidosis, type 2; Total hexosaminidase deficiency; Sandhoff-Jatzkewitz-Pilz disease; GM2-GANGLIOSIDOSIS, TYPE II; HEXOSAMINIDASES A AND B DEFICIENCY. Identifiers: Orphanet 796, MedGen C0036161, MONDO:0010006, OMIM 268800.

Allele frequency attached by ClinVar (database versions not stated): gnomAD 0.00001; gnomAD exomes below 0.00001.
gnomAD v4.1: 3 of 1,601,510 alleles (0.00019%); highest among the groups gnomAD compares: African/African-American, 0.0013%; no homozygotes.

Submissions (5):

3billion
Classification: Pathogenic for Sandhoff disease. Last evaluated: 2025-06-03. Review status: criteria provided, single submitter. Criteria: ACMG Guidelines, 2015. Collection method: clinical testing. Allele origin: germline. Affected: yes.
Comment: The variant is observed at an extremely low frequency in the gnomAD v4.1.0 dataset (total allele frequency: <0.001%). Predicted Consequence/Location: Synonymous variant: previously reported to alter splicing and result in a loss of normal protein function through nonsense-mediated decay (NMD) or protein truncation (PMID: 9475608). In silico tools predict the variant to alter splicing and produce an abnormal transcript [SpliceAI: 0.60 (spliceogenicity >=0.2, non-spliceogenicity <0.1)]. Synonymous variant: previously reported to alter splicing and result in a loss of normal protein function through nonsense-mediated decay (NMD) or protein truncation (PMID: 9475608). Therefore, this variant is classified as Pathogenic according to the recommendation of ACMG/AMP guideline.

Natera, Inc.
Classification: Likely pathogenic for Sandhoff disease. Last evaluated: 2025-04-23. Review status: criteria provided, single submitter. Criteria: Natera Variant Classification Schema (03/2026). Collection method: clinical testing. Allele origin: germline.
Comment: The c.1242G>A variant in HEXB is a synonymous variant that does not alter the encoded amino acid at position 414 (p.K414=). This variant is rare in the general population with a frequency below the threshold expected for the associated phenotype(s). This variant has been observed in one or more individuals affected with the associated recessive disease, as either homozygous or compound heterozygous with a second variant (PMID: 23010210, 9475608). This variant has been identified in one or more affected individual with a phenotype highly consistent with the associated gene (PMID: 23010210). Functional studies show that this variant may disrupt protein function (PMID: 9475608). Computational prediction algorithms indicate this variant is likely to affect gene or protein function. Given the available evidence, this variant is classified as Likely Pathogenic.

Labcorp Genetics (formerly Invitae), Labcorp
Classification: Pathogenic for Sandhoff disease. Last evaluated: 2024-03-07. Review status: criteria provided, single submitter. Criteria: Invitae Variant Classification Sherloc (09022015). Collection method: clinical testing. Allele origin: germline.
Comment: This sequence change affects codon 414 of the HEXB mRNA. It is a 'silent' change, meaning that it does not change the encoded amino acid sequence of the HEXB protein. RNA analysis indicates that this variant induces altered splicing and may result in an absent or disrupted protein product. This variant is present in population databases (no rsID available, gnomAD 0.004%). This variant has been observed in individual(s) with Sandhoff disease (PMID: 9475608, 23010210). In at least one individual the data is consistent with being in trans (on the opposite chromosome) from a pathogenic variant. ClinVar contains an entry for this variant (Variation ID: 558077). Variants that disrupt the consensus splice site are a relatively common cause of aberrant splicing (PMID: 17576681, 9536098). Studies have shown that this variant results in skipping of exon 10 and introduces a premature termination codon (PMID: 9475608). The resulting mRNA is expected to undergo nonsense-mediated decay. For these reasons, this variant has been classified as Pathogenic.

Women's Health and Genetics/Laboratory Corporation of America, LabCorp
Classification: Likely pathogenic for Sandhoff disease. Last evaluated: 2022-04-19. Review status: criteria provided, single submitter. Criteria: LabCorp Variant Classification Summary - May 2015. Collection method: clinical testing. Allele origin: germline.
Comment: Variant summary: HEXB c.1242G>A (p.Lys414Lys) located at the last nucleotide of the exon alters a conserved nucleotide located adjacent to a canonical splice site and therefore could affect mRNA splicing, leading to a significantly altered protein sequence. Several computational tools predict a significant impact on normal splicing: Three predict the variant weakens the canonical 5' donor site. One predict the variant abolishes the canonical 5' splicing donor site. At least one publication reports experimental evidence that this variant affects mRNA splicing resulting in exon 10 skipping (example, Gomez-Lira_1998). The variant allele was found at a frequency of 4e-06 in 251298 control chromosomes. c.1242G>A has been reported in the literature as a homozygous and compound heterozygous genotype in at-least two individuals affected with Sandhoff Disease (example, Gomez-Lira_1998, Sobek_2012). These data indicate that the variant may be associated with disease. One clinical diagnostic laboratory has submitted clinical-significance assessments for this variant to ClinVar after 2014 and classified the variant as likely pathogenic. Based on the evidence outlined above, the variant was classified as likely pathogenic.

Counsyl
Classification: Likely pathogenic for Sandhoff disease. Last evaluated: 2018-05-01. Review status: no assertion criteria provided. Collection method: clinical testing. Allele origin: unknown. Not counted in ClinVar's aggregate classification.

Literature cited by the submitters: PubMed 9475608 (cited by 5 submitters); PubMed 23010210 (cited by 4 submitters); PubMed 17576681 (cited by Labcorp Genetics (formerly Invitae), Labcorp); PubMed 9536098 (cited by Labcorp Genetics (formerly Invitae), Labcorp); PubMed 29448188 (cited by Women's Health and Genetics/Laboratory Corporation of America, LabCorp).